The following is an entry in ClinVar:

NM_001261826.3(AP3D1):c.2102A>G (p.His701Arg)

Gene: AP3D1 (adaptor related protein complex 3 subunit delta 1; minus strand). Cytogenetic location: 19p13.3.
Variant type: single nucleotide variant.
Coding change: c.2102A>G on transcript NM_001261826.3 (MANE Select); coding-DNA position 2102, A replaced by G.
Protein change: p.His701Arg; replaces histidine 701 with arginine.
Molecular consequence: missense variant.
Genome position (GRCh38, 1-based): chr19:2,115,585, T>C on the plus strand (A>G on the coding strand, the complement: AP3D1 is on the minus strand). VCF-style: chr19-2115585-T-C. GRCh37 (hg19) VCF-style: chr19-2115584-T-C.
Other names: c.2102A>G, p.His701Arg (NM_001374799.1, NM_003938.8); short protein forms H701R.
Identifiers: ClinVar variation 2906285 (VCV002906285.1), dbSNP rs774521539, ClinGen allele CA9059019.
Genomic context (GRCh38, chr19:2,115,585, plus strand): 5'-CGGAGACACTTGCCTGGAACCTTCAAGGGGACGGAGAGGTCAATCTGCACCACGGGAATG[T>C]GCTCCACGCCCGGGGTGTCCTGGTACCGCTGCAAAGGCAACACCCAGGCGTTACCGGTGC-3'
Protein context (NP_001248755.1, residues 691-711): KRYQDTPGVE[His701Arg]IPVVQIDLSV

ClinVar aggregate classification (germline): Uncertain significance (1 of 4 stars; one submission).

Allele frequency attached by ClinVar (database versions not stated): TOPMed 0.00002; ExAC 0.00003; gnomAD 0.00003.
gnomAD v4.1: 32 of 1,612,940 alleles (0.002%); highest among the groups gnomAD compares: African/African-American, 0.0027%; no homozygotes.

Submission:

Labcorp Genetics (formerly Invitae), Labcorp
Classification: Uncertain significance. Last evaluated: 2023-12-02. Review status: criteria provided, single submitter. Criteria: Invitae Variant Classification Sherloc (09022015). Collection method: clinical testing. Allele origin: germline.
Comment: This sequence change replaces histidine, which is basic and polar, with arginine, which is basic and polar, at codon 701 of the AP3D1 protein (p.His701Arg). This variant is present in population databases (rs774521539, gnomAD 0.004%). This variant has not been reported in the literature in individuals affected with AP3D1-related conditions. An algorithm developed to predict the effect of missense changes on protein structure and function (PolyPhen-2) suggests that this variant¬†is likely to be tolerated. In summary, the available evidence is currently insufficient to determine the role of this variant in disease. Therefore, it has been classified as a Variant of Uncertain Significance.